The following is an entry in ClinVar:

NM_004304.5(ALK):c.3844T>C (p.Tyr1282His)

Gene: ALK (ALK receptor tyrosine kinase; minus strand). Cytogenetic location: 2p23.2.
Variant type: single nucleotide variant.
Coding change: c.3844T>C on transcript NM_004304.5 (MANE Select); coding-DNA position 3844, T replaced by C.
Protein change: p.Tyr1282His; replaces tyrosine 1282 with histidine.
Molecular consequence: missense variant.
Genome position (GRCh38, 1-based): chr2:29,207,265, A>G on the plus strand (T>C on the coding strand, the complement: ALK is on the minus strand). VCF-style: chr2-29207265-A-G. GRCh37 (hg19) VCF-style: chr2-29430131-A-G.
Other names: c.640T>C, p.Tyr214His (NM_001353765.2); short protein forms Y1282H, Y214H.
Identifiers: ClinVar variation 1735459 (VCV001735459.3), dbSNP rs2148152242, ClinGen allele CA346469046.
Genomic context (GRCh38, chr2:29,207,265, plus strand): 5'-TGAAGGCCTCTGGGGGCATCCACTTAACTGGCAGCATGGCACAGCCTCCCTTTCTATAGT[A>G]GCTCGCCCTGTGGGGAAGGAGAGGAAAACCAAACTAGGATCTGGAGATGGCATTAAGCAT-3'
Protein context (NP_004295.2, residues 1272-1292): GMARDIYRAS[Tyr1282His]YRKGGCAMLP

ClinVar aggregate classification (germline): Uncertain significance. Review status: criteria provided, multiple submitters, no conflicts (2 of 4 stars). 2 submissions from 2 submitters: Uncertain significance (2). Last evaluated 2025-04-11.

Conditions:
Neuroblastoma, susceptibility to, 3. Also called: ALK-Related Neuroblastic Tumor Susceptibility. Identifiers: Orphanet 635, MedGen C2751681, MONDO:0013083, OMIM 613014.
Hereditary cancer-predisposing syndrome. Also called: Neoplastic Syndromes, Hereditary; Tumor predisposition; Hereditary Cancer Syndrome; Hereditary neoplastic syndrome. Identifiers: Orphanet 140162, MedGen C0027672, MeSH D009386, MONDO:0015356.

Submissions (2):

Labcorp Genetics (formerly Invitae), Labcorp
Classification: Uncertain significance for Neuroblastoma, susceptibility to, 3. Last evaluated: 2025-04-11. Review status: criteria provided, single submitter. Criteria: Invitae Variant Classification Sherloc (09022015). Collection method: clinical testing. Allele origin: germline.
Comment: This sequence change replaces tyrosine, which is neutral and polar, with histidine, which is basic and polar, at codon 1282 of the ALK protein (p.Tyr1282His). This variant is not present in population databases (gnomAD no frequency). This variant has not been reported in the literature in individuals affected with ALK-related conditions. ClinVar contains an entry for this variant (Variation ID: 1735459). An algorithm developed to predict the effect of missense changes on protein structure and function (PolyPhen-2) suggests that this variant is likely to be disruptive. In summary, the available evidence is currently insufficient to determine the role of this variant in disease. Therefore, it has been classified as a Variant of Uncertain Significance.

Ambry Genetics
Classification: Uncertain significance for Hereditary cancer-predisposing syndrome. Last evaluated: 2020-03-17. Review status: criteria provided, single submitter. Criteria: Ambry Variant Classification Scheme 2023. Collection method: clinical testing. Allele origin: germline.
Comment: The p.Y1282H variant (also known as c.3844T>C), located in coding exon 26 of the ALK gene, results from a T to C substitution at nucleotide position 3844. The tyrosine at codon 1282 is replaced by histidine, an amino acid with similar properties. This amino acid position is highly conserved in available vertebrate species. In addition, the in silico prediction for this alteration is inconclusive. Since supporting evidence is limited at this time, the clinical significance of this alteration remains unclear.